The following is an entry in ClinVar:

ClinVar aggregate classification (germline): Uncertain significance (1 of 4 stars; one submission).

Conditions:
Hereditary cancer-predisposing syndrome. Also called: Hereditary neoplastic syndrome; Neoplastic Syndromes, Hereditary; Tumor predisposition; Hereditary Cancer Syndrome. Identifiers: Orphanet 140162, MedGen C0027672, MeSH D009386, MONDO:0015356.

Submission:

Ambry Genetics
Classification: Uncertain significance for Hereditary cancer-predisposing syndrome. Last evaluated: 2025-08-27. Review status: criteria provided, single submitter. Criteria: Ambry Variant Classification Scheme 2023. Collection method: clinical testing. Allele origin: germline.
Comment: The p.Q29H variant (also known as c.87G>T), located in coding exon 2 of the MUTYH gene, results from a G to T substitution at nucleotide position 87. The glutamine at codon 29 is replaced by histidine, an amino acid with highly similar properties. This amino acid position is conserved. In addition, this alteration is predicted to be tolerated by in silico analysis. Based on the available evidence, the clinical significance of this variant remains unclear.

NM_001048174.2(MUTYH):c.45G>T (p.Gln15His)

Gene: MUTYH (mutY DNA glycosylase; minus strand). Cytogenetic location: 1p34.1.
Variant type: single nucleotide variant.
Coding change: c.45G>T on transcript NM_001048174.2 (MANE Select); coding-DNA position 45, G replaced by T.
Protein change: p.Gln15His; replaces glutamine 15 with histidine.
Molecular consequence: missense variant. On other transcripts: 5 prime UTR variant (7), non-coding transcript variant (7).
Genome position (GRCh38, 1-based): chr1:45,334,461, C>A on the plus strand (G>T on the coding strand, the complement: MUTYH is on the minus strand). VCF-style: chr1-45334461-C-A. GRCh37 (hg19) VCF-style: chr1-45800133-C-A.
Other names: c.45G>T, p.Gln15His (NM_001407078.1, NM_001407079.1, NM_001407080.1 and 15 more transcripts); c.-163G>T (NM_001407082.1, NM_001350651.2); c.63G>T, p.Gln21His (NM_001407087.1); c.-168G>T (NM_001407091.1, NM_001293192.2, NM_001293196.2); c.87G>T, p.Gln29His (NM_012222.3, NM_001128425.2, NM_001293190.2 and 2 more transcripts); c.-227G>T (NM_001350650.2); c.-112G>T (NM_001407075.1); short protein forms Q15H, Q21H, Q29H.
Identifiers: ClinVar variation 4113879 (VCV004113879.1).